The following is an entry in ClinVar:

NM_000170.3(GLDC):c.585_589del (p.Leu196fs)

Gene: GLDC (glycine decarboxylase; minus strand). Cytogenetic location: 9p24.1.
Variant type: Deletion.
Coding change: c.585_589del on transcript NM_000170.3 (MANE Select); coding-DNA positions 585 to 589, 5 bases deleted (CCTGC; older notation c.585_589delCCTGC).
Protein change: p.Leu196fs; shifts the reading frame from leucine 196.
Molecular consequence: frameshift variant.
Genome position (GRCh38, 1-based): chr9:6,610,238-6,610,242, GCAGG deleted on the plus strand (CCTGC on the coding strand, the reverse complement: GLDC is on the minus strand); deleting any 5 consecutive bases within chr9:6,610,238-6,610,243 gives the same sequence; the c. name uses the placement nearest the transcript's 3' end. VCF-style (leftmost placement, unchanged base first): chr9-6610237-AGCAGG-A. GRCh37 (hg19) VCF-style: chr9-6610237-AGCAGG-A.
Other names: short protein forms L196fs.
Identifiers: ClinVar variation 2087967 (VCV002087967.5), dbSNP rs2489110933, ClinGen allele CA2580080288.

ClinVar aggregate classification (germline): Pathogenic. Review status: criteria provided, multiple submitters, no conflicts (2 of 4 stars). 2 submissions from 2 submitters: Pathogenic (2). Last evaluated 2026-05-16.

Conditions:
Glycine encephalopathy 1 (GCE1). Identifiers: MedGen CN376801, MONDO:0958179, OMIM 605899.
Glycine encephalopathy. Also called: Nonketotic hyperglycinemia; Non-ketotic hyperglycinemia. Identifiers: Orphanet 407, MedGen C0751748, MONDO:0011612, HP:0008288.

Submissions (2):

Myriad Genetics, Inc.
Classification: Pathogenic for Glycine encephalopathy 1. Last evaluated: 2026-05-16. Review status: criteria provided, single submitter. Criteria: Myriad Autosomal Dominant, Autosomal Recessive and X-Linked Classification Criteria (2023). Collection method: clinical testing. Allele origin: unknown.
Comment: NM_000170.2(GLDC):c.585_589del5(L196Gfs*2) is expected to be pathogenic in the context of glycine encephalopathy, GLDC-related. This variant is predicted to lead to an abnormal or absent protein product due to the creation of a premature termination codon in GLDC, a gene where loss-of-function variants are known to be pathogenic. Please note: this variant was assessed in the context of healthy population screening.

Labcorp Genetics (formerly Invitae), Labcorp
Classification: Pathogenic for Glycine encephalopathy. Last evaluated: 2023-05-30. Review status: criteria provided, single submitter. Criteria: Invitae Variant Classification Sherloc (09022015). Collection method: clinical testing. Allele origin: germline.
Comment: For these reasons, this variant has been classified as Pathogenic. ClinVar contains an entry for this variant (Variation ID: 2087967). This variant has not been reported in the literature in individuals affected with GLDC-related conditions. This variant is not present in population databases (gnomAD no frequency). This sequence change creates a premature translational stop signal (p.Leu196Glyfs*2) in the GLDC gene. It is expected to result in an absent or disrupted protein product. Loss-of-function variants in GLDC are known to be pathogenic (PMID: 16601880).

Literature cited by the submitters: PubMed 16601880 (cited by Labcorp Genetics (formerly Invitae), Labcorp).